The following is an entry in ClinVar:

NM_017763.6(RNF43):c.341G>C (p.Arg114Pro)

Gene: RNF43 (ring finger protein 43; minus strand). Cytogenetic location: 17q22.
Variant type: single nucleotide variant.
Coding change: c.341G>C on transcript NM_017763.6 (MANE Select); coding-DNA position 341, G replaced by C.
Protein change: p.Arg114Pro; replaces arginine 114 with proline.
Molecular consequence: missense variant. On other transcripts: 5 prime UTR variant (2).
Genome position (GRCh38, 1-based): chr17:58,370,945, C>G on the plus strand (G>C on the coding strand, the complement: RNF43 is on the minus strand). VCF-style: chr17-58370945-C-G. GRCh37 (hg19) VCF-style: chr17-56448306-C-G.
Other names: c.341G>C, p.Arg114Pro (NM_001438821.1, NM_001438822.1, NM_001305544.3 and 1 more transcripts); c.-41G>C (NM_001305545.2, NM_001437987.1); short protein forms R114P.
Identifiers: ClinVar variation 4863397 (VCV004863397.1).

ClinVar aggregate classification (germline): Uncertain significance (1 of 4 stars; one submission).

Submission:

Ambry Genetics
Classification: Uncertain significance. Last evaluated: 2026-04-13. Review status: criteria provided, single submitter. Criteria: Ambry Variant Classification Scheme 2023. Collection method: clinical testing. Allele origin: germline.
Comment: The p.R114P variant (also known as c.341G>C), located in coding exon 2 of the RNF43 gene, results from a G to C substitution at nucleotide position 341. The arginine at codon 114 is replaced by proline, an amino acid with dissimilar properties. This amino acid position is conserved. In addition, the in silico prediction for this alteration is inconclusive. Based on the available evidence, the clinical significance of this variant remains unclear.